The following is an entry in ClinVar:

ClinVar aggregate classification (germline): Likely benign. Review status: criteria provided, multiple submitters, no conflicts (2 of 4 stars). 3 submissions from 3 submitters: Likely benign (3). Last evaluated 2024-09-20.

Conditions:
Hereditary cancer-predisposing syndrome. Also called: Hereditary Cancer Syndrome; Neoplastic Syndromes, Hereditary; Tumor predisposition; Hereditary neoplastic syndrome. Identifiers: Orphanet 140162, MedGen C0027672, MeSH D009386, MONDO:0015356.
Hereditary diffuse gastric adenocarcinoma (HDGC). Also called: DIFFUSE GASTRIC AND LOBULAR BREAST CANCER SYNDROME. Identifiers: Orphanet 26106, MedGen C1708349, MONDO:0007648, OMIM 137215.

Submissions (3):

Myriad Genetics, Inc.
Classification: Likely benign for Hereditary diffuse gastric adenocarcinoma. Last evaluated: 2024-09-20. Review status: criteria provided, single submitter. Criteria: Myriad Autosomal Dominant, Autosomal Recessive and X-Linked Classification Criteria (2023). Collection method: clinical testing. Allele origin: unknown.
Comment: This variant is considered likely benign. This variant is intronic and is not expected to impact mRNA splicing.

Labcorp Genetics (formerly Invitae), Labcorp
Classification: Likely benign for Hereditary diffuse gastric adenocarcinoma. Last evaluated: 2022-04-17. Review status: criteria provided, single submitter. Criteria: Invitae Variant Classification Sherloc (09022015). Collection method: clinical testing. Allele origin: germline.

Color Diagnostics, LLC DBA Color Health
Classification: Likely benign for Hereditary cancer-predisposing syndrome. Last evaluated: 2018-01-11. Review status: criteria provided, single submitter. Criteria: ACMG Guidelines, 2015. Collection method: clinical testing. Allele origin: germline.

NM_004360.5(CDH1):c.2165-19G>C

Gene: CDH1 (cadherin 1; plus strand). Cytogenetic location: 16q22.1.
Variant type: single nucleotide variant.
Coding change: c.2165-19G>C on transcript NM_004360.5 (MANE Select); 19 bases into the intron before coding-DNA position 2165, G replaced by C.
Molecular consequence: intron variant.
Genome position (GRCh38, 1-based): chr16:68,828,155, G>C. VCF-style: chr16-68828155-G-C. GRCh37 (hg19) VCF-style: chr16-68862058-G-C.
Other names: c.617-19G>C (NM_001317185.2); c.200-19G>C (NM_001317186.2); c.1982-19G>C (NM_001317184.2).
Identifiers: ClinVar variation 631173 (VCV000631173.8), dbSNP rs1555517632, ClinGen allele CA913188810.